The following is an entry in ClinVar:

NM_015629.4(PRPF31):c.479C>G (p.Thr160Ser)

Gene: PRPF31 (pre-mRNA processing factor 31; plus strand). Cytogenetic location: 19q13.42.
Variant type: single nucleotide variant.
Coding change: c.479C>G on transcript NM_015629.4 (MANE Select); coding-DNA position 479, C replaced by G.
Protein change: p.Thr160Ser; replaces threonine 160 with serine.
Molecular consequence: missense variant.
Genome position (GRCh38, 1-based): chr19:54,123,512, C>G. VCF-style: chr19-54123512-C-G. GRCh37 (hg19) VCF-style: chr19-54626891-C-G.
Other names: short protein forms T160S.
Identifiers: ClinVar variation 2854676 (VCV002854676.3), dbSNP rs2516138538, ClinGen allele CA407750310.

ClinVar aggregate classification (germline): Uncertain significance (1 of 4 stars; one submission).

Submission:

Labcorp Genetics (formerly Invitae), Labcorp
Classification: Uncertain significance. Last evaluated: 2023-04-13. Review status: criteria provided, single submitter. Criteria: Invitae Variant Classification Sherloc (09022015). Collection method: clinical testing. Allele origin: germline.
Comment: This variant has not been reported in the literature in individuals affected with PRPF31-related conditions. This variant is not present in population databases (gnomAD no frequency). This sequence change replaces threonine, which is neutral and polar, with serine, which is neutral and polar, at codon 160 of the PRPF31 protein (p.Thr160Ser). In summary, the available evidence is currently insufficient to determine the role of this variant in disease. Therefore, it has been classified as a Variant of Uncertain Significance. An algorithm developed to predict the effect of missense changes on protein structure and function (PolyPhen-2) suggests that this variant is likely to be tolerated.